The following is an entry in ClinVar:

NM_024824.5(ZC3H14):c.1280-1763_1280-1757del

Gene: ZC3H14 (zinc finger CCCH-type containing 14; plus strand). Cytogenetic location: 14q31.3.
Variant type: Deletion.
Coding change: c.1280-1763_1280-1757del on transcript NM_024824.5 (MANE Select); 1763 bases into the intron before coding-DNA position 1280 through 1757 bases into the intron before coding-DNA position 1280, 7 bases deleted (CATCTTT; older notation c.1280-1763_1280-1757delCATCTTT).
Molecular consequence: intron variant. On other transcripts: frameshift variant (1).
Genome position (GRCh38, 1-based): chr14:88,594,971-88,594,977, CATCTTT deleted; deleting any 7 consecutive bases within chr14:88,594,968-88,594,977 gives the same sequence; the c. name uses the placement nearest the transcript's 3' end. VCF-style (leftmost placement, unchanged base first): chr14-88594967-ATTTCATC-A. GRCh37 (hg19) VCF-style: chr14-89061311-ATTTCATC-A.
Other names: c.1178-6953_1178-6947del (NM_001326301.2); c.1178-12272_1178-12266del (NM_001326303.2); c.1280-1763_1280-1757del (NM_001160103.2, NM_001326310.2, NM_001160104.2 and 1 more transcripts); c.1280-6953_1280-6947del (NM_001326307.2, NM_001326296.2, NM_001326312.2 and 1 more transcripts); c.245_251del, p.Ser82fs (NM_207662.4); c.1178-1763_1178-1757del (NM_001326297.2, NM_001326315.2, NM_001326316.2 and 1 more transcripts); c.1280-12272_1280-12266del (NM_001326298.2, NM_207660.4); c.1124-12272_1124-12266del (NM_001326313.2, NM_001326306.2); and 3 more; short protein forms S82fs.
Identifiers: ClinVar variation 4886357 (VCV004886357.2).

ClinVar aggregate classification (germline): Uncertain significance (1 of 4 stars; one submission).

Submission:

Dasa
Classification: Uncertain significance. Last evaluated: 2026-02-09. Review status: criteria provided, single submitter. Criteria: DASA Assertion Criteria. Collection method: clinical testing. Allele origin: germline.
Comment: NM_207662.4(ZC3H14):c.245_251del (p.Ser82Trpfs*5) is a frameshift variant in ZC3H14 predicted to alter the reading frame and introduce a premature termination codon. This variant is rare in population databases. The currently available literature and clinical evidence are not sufficient to establish a definitive association between this variant and the reported condition. Therefore, this variant is classified as a variant of uncertain significance.